The following is an entry in ClinVar:

ClinVar aggregate classification (germline): Likely benign (0 of 4 stars; one submission).

Conditions:
TRMU-related disorder. Also called: TRMU-related condition.

Allele frequency attached by ClinVar (database versions not stated): ExAC 0.00007; gnomAD 0.00009; gnomAD exomes 0.00012; TOPMed 0.00014.
gnomAD v4.1: 177 of 1,532,402 alleles (0.012%); highest among the groups gnomAD compares: African/African-American, 0.034%; no homozygotes.

Submission:

PreventionGenetics, part of Exact Sciences
Classification: Likely benign for TRMU-related condition. Last evaluated: 2021-04-29. Review status: no assertion criteria provided. Collection method: clinical testing. Allele origin: germline.
Comment: This variant is classified as likely benign based on ACMG/AMP sequence variant interpretation guidelines (Richards et al. 2015 PMID: 25741868, with internal and published modifications).

NM_018006.5(TRMU):c.-51A>C

Gene: TRMU (tRNA mitochondrial 2-thiouridylase; plus strand). Cytogenetic location: 22q13.31.
Variant type: single nucleotide variant.
Coding change: c.-51A>C on transcript NM_018006.5 (MANE Select); 51 bases upstream of the start codon, A replaced by C.
Molecular consequence: 5 prime UTR variant. On other transcripts: non-coding transcript variant (2).
Genome position (GRCh38, 1-based): chr22:46,335,714, A>C. VCF-style: chr22-46335714-A-C. GRCh37 (hg19) VCF-style: chr22-46731611-A-C.
Other names: c.-51A>C (NM_001008568.2, NM_001008570.2, NM_001282785.2); c.-286A>C (NM_001282782.2); c.-305A>C (NM_001282783.2, NM_001282784.2).
Identifiers: ClinVar variation 3031221 (VCV003031221.2), dbSNP rs773460571, ClinGen allele CA10291887.